The following is an entry in ClinVar:

NM_182493.3(MYLK3):c.683G>A (p.Gly228Asp)

Gene: MYLK3 (myosin light chain kinase 3; minus strand). Cytogenetic location: 16q11.2.
Variant type: single nucleotide variant.
Coding change: c.683G>A on transcript NM_182493.3 (MANE Select); coding-DNA position 683, G replaced by A.
Protein change: p.Gly228Asp; replaces glycine 228 with aspartic acid.
Molecular consequence: missense variant. On other transcripts: intron variant (1).
Genome position (GRCh38, 1-based): chr16:46,738,029, C>T on the plus strand (G>A on the coding strand, the complement: MYLK3 is on the minus strand). VCF-style: chr16-46738029-C-T. GRCh37 (hg19) VCF-style: chr16-46771941-C-T.
Other names: c.-23+2028G>A (NM_001308301.1); short protein forms G228D.
Identifiers: ClinVar variation 2117653 (VCV002117653.4), dbSNP rs2548908066, ClinGen allele CA395794433.

ClinVar aggregate classification (germline): Uncertain significance (1 of 4 stars; one submission).

Allele frequency attached by ClinVar (database versions not stated): gnomAD exomes below 0.00001.
gnomAD v4.1: 1 of 1,612,550 alleles (0.000062%); highest among the groups gnomAD compares: Non-Finnish European, 0.000085%; no homozygotes.

Submission:

Labcorp Genetics (formerly Invitae), Labcorp
Classification: Uncertain significance. Last evaluated: 2025-02-05. Review status: criteria provided, single submitter. Criteria: Invitae Variant Classification Sherloc (09022015). Collection method: clinical testing. Allele origin: germline.
Comment: This sequence change replaces glycine, which is neutral and non-polar, with aspartic acid, which is acidic and polar, at codon 228 of the MYLK3 protein (p.Gly228Asp). This variant is not present in population databases (gnomAD no frequency). This variant has not been reported in the literature in individuals affected with MYLK3-related conditions. ClinVar contains an entry for this variant (Variation ID: 2117653). An algorithm developed to predict the effect of missense changes on protein structure and function (PolyPhen-2) suggests that this variant is likely to be disruptive. In summary, the available evidence is currently insufficient to determine the role of this variant in disease. Therefore, it has been classified as a Variant of Uncertain Significance.